The following is an entry in ClinVar:

NM_001080517.3(SETD5):c.87G>A (p.Glu29=)

Gene: SETD5 (SET domain containing 5; plus strand). Cytogenetic location: 3p25.3.
Variant type: single nucleotide variant.
Coding change: c.87G>A on transcript NM_001080517.3 (MANE Select); coding-DNA position 87, G replaced by A.
Protein change: p.Glu29=; no amino-acid change (glutamic acid 29 retained).
Molecular consequence: synonymous variant. On other transcripts: 5 prime UTR variant (2).
Genome position (GRCh38, 1-based): chr3:9,433,860, G>A. VCF-style: chr3-9433860-G-A. GRCh37 (hg19) VCF-style: chr3-9475544-G-A.
Other names: c.-247G>A (NM_001292043.2); c.-288G>A (NM_001349451.2).
Identifiers: ClinVar variation 2653471 (VCV002653471.24), dbSNP rs2472415563, ClinGen allele CA432367688.

ClinVar aggregate classification (germline): Likely benign (1 of 4 stars; one submission).

Allele frequency attached by ClinVar (database versions not stated): gnomAD exomes below 0.00001.
gnomAD v4.1: 2 of 1,613,844 alleles (0.00012%); highest among the groups gnomAD compares: Non-Finnish European, 0.00017%; no homozygotes.

Submission:

CeGaT Center for Human Genetics Tuebingen
Classification: Likely benign. Last evaluated: 2022-05-01. Review status: criteria provided, single submitter. Criteria: CeGaT Center For Human Genetics Tuebingen Variant Classification Criteria Version 2. Collection method: clinical testing. Allele origin: germline. Affected: yes. Observed: 1 variant allele.
Comment: SETD5: PM2:Supporting, BP4, BP7